The following is an entry in ClinVar:

NM_001918.5(DBT):c.16A>G (p.Met6Val)

Gene: DBT (dihydrolipoamide branched chain transacylase E2; minus strand). Cytogenetic location: 1p21.2.
Variant type: single nucleotide variant.
Coding change: c.16A>G on transcript NM_001918.5 (MANE Select); coding-DNA position 16, A replaced by G.
Protein change: p.Met6Val; replaces methionine 6 with valine.
Molecular consequence: missense variant. On other transcripts: 5 prime UTR variant (2), non-coding transcript variant (4).
Genome position (GRCh38, 1-based): chr1:100,249,805, T>C on the plus strand (A>G on the coding strand, the complement: DBT is on the minus strand). VCF-style: chr1-100249805-T-C. GRCh37 (hg19) VCF-style: chr1-100715361-T-C.
Other names: c.-715A>G (NM_001399969.1); c.-588A>G (NM_001399972.1); c.16A>G (NM_001918.2); short protein forms M6V.
Identifiers: ClinVar variation 2153468 (VCV002153468.5), dbSNP rs749693779, ClinGen allele CA969866.
Genomic context (GRCh38, chr1:100,249,805, plus strand): 5'-CTCAGATCTGCCCAAACGTGCTTACCAGCTTCCCCGCATTCCTGCTCCAGGTTCTCAGCA[T>C]ACGGACTGCAGCCATCTTACCCCGGAAATGACAACAGTGCCGCAAACTGGAGAGACTCTC-3'
Protein context (NP_001909.4, residues 1-16): MAAVR[Met6Val]LRTWSRNAGK

ClinVar aggregate classification (germline): Conflicting classifications of pathogenicity. Review status: criteria provided, conflicting classifications (1 of 4 stars). 3 submissions from 3 submitters: Uncertain significance (1); Likely benign (2). Last evaluated 2025-05-28.

Conditions:
Inborn genetic diseases. Identifiers: MedGen C0950123, MeSH D030342.
Maple syrup urine disease (MSUD). Identifiers: Orphanet 511, MedGen C0024776, MeSH D008375, MONDO:0009563. Disease mechanism: loss of function.

Allele frequency attached by ClinVar (database versions not stated): gnomAD exomes 0.00001; gnomAD 0.00003.
gnomAD v4.1: 23 of 1,614,064 alleles (0.0014%); highest among the groups gnomAD compares: Middle Eastern, 0.066%; no homozygotes.

Submissions (3):

Ambry Genetics
Classification: Likely benign for Inborn genetic diseases. Last evaluated: 2025-05-28. Review status: criteria provided, single submitter. Criteria: Ambry Variant Classification Scheme 2023. Collection method: clinical testing. Allele origin: germline.

Labcorp Genetics (formerly Invitae), Labcorp
Classification: Uncertain significance for Maple syrup urine disease. Last evaluated: 2024-06-10. Review status: criteria provided, single submitter. Criteria: Invitae Variant Classification Sherloc (09022015). Collection method: clinical testing. Allele origin: germline.
Comment: This sequence change replaces methionine, which is neutral and non-polar, with valine, which is neutral and non-polar, at codon 6 of the DBT protein (p.Met6Val). This variant is present in population databases (rs749693779, gnomAD 0.008%). This variant has not been reported in the literature in individuals affected with DBT-related conditions. ClinVar contains an entry for this variant (Variation ID: 2153468). Advanced modeling of protein sequence and biophysical properties (such as structural, functional, and spatial information, amino acid conservation, physicochemical variation, residue mobility, and thermodynamic stability) performed at Invitae indicates that this missense variant is not expected to disrupt DBT protein function with a negative predictive value of 95%. In summary, the available evidence is currently insufficient to determine the role of this variant in disease. Therefore, it has been classified as a Variant of Uncertain Significance.

Blueprint Genetics
Classification: Likely benign. Last evaluated: 2024-03-28. Review status: criteria provided, single submitter. Criteria: ACMG Guidelines, 2015. Collection method: clinical testing. Allele origin: germline.